The following is an entry in ClinVar:

NM_001165963.4(SCN1A):c.845C>A (p.Pro282His)

Gene: SCN1A (sodium voltage-gated channel alpha subunit 1; minus strand). Cytogenetic location: 2q24.3.
Variant type: single nucleotide variant.
Coding change: c.845C>A on transcript NM_001165963.4 (MANE Select); coding-DNA position 845, C replaced by A.
Protein change: p.Pro282His; replaces proline 282 with histidine.
Molecular consequence: missense variant. On other transcripts: 5 prime UTR variant (1), non-coding transcript variant (1).
Genome position (GRCh38, 1-based): chr2:166,051,838, G>T on the plus strand (C>A on the coding strand, the complement: SCN1A is on the minus strand). VCF-style: chr2-166051838-G-T. GRCh37 (hg19) VCF-style: chr2-166908348-G-T.
Other names: c.845C>A, p.Pro282His (NM_001165964.3, NM_001202435.3, NM_001353948.2 and 10 more transcripts); c.-1581C>A (NM_001353961.2); short protein forms P282H.
Identifiers: ClinVar variation 954351 (VCV000954351.10), dbSNP rs1698591690, ClinGen allele CA349072995.

ClinVar aggregate classification (germline): Uncertain significance (1 of 4 stars; one submission).

Conditions:
Early-infantile DEE. Also called: Early infantile epileptic encephalopathy; Ohtahara syndrome; Early infantile epileptic encephalopathy with suppression bursts. Identifiers: Orphanet 1934, MedGen C0393706, MONDO:0800491.

Submission:

Labcorp Genetics (formerly Invitae), Labcorp
Classification: Uncertain significance for Early-infantile DEE. Last evaluated: 2019-10-21. Review status: criteria provided, single submitter. Criteria: Invitae Variant Classification Sherloc (09022015). Collection method: clinical testing. Allele origin: germline.
Comment: This sequence change replaces proline with histidine at codon 282 of the SCN1A protein (p.Pro282His). The proline residue is highly conserved and there is a moderate physicochemical difference between proline and histidine. This variant is not present in population databases (ExAC no frequency). This variant has not been reported in the literature in individuals with SCN1A-related conditions. Algorithms developed to predict the effect of missense changes on protein structure and function are either unavailable or do not agree on the potential impact of this missense change (SIFT: "Deleterious"; PolyPhen-2: "Probably Damaging"; Align-GVGD: "Class C0"). In summary, the available evidence is currently insufficient to determine the role of this variant in disease. Therefore, it has been classified as a Variant of Uncertain Significance.